The following is an entry in ClinVar:

ClinVar aggregate classification (germline): Conflicting classifications of pathogenicity. Review status: criteria provided, conflicting classifications (1 of 4 stars). 4 submissions from 4 submitters: Uncertain significance (3); Likely benign (1). Last evaluated 2025-12-03.

Conditions:
Cranioectodermal dysplasia 1 (CED1). Also called: LEVIN SYNDROME I. Identifiers: Orphanet 1515, MedGen C0432235, MONDO:0021093, OMIM 218330.

Allele frequency attached by ClinVar (database versions not stated): gnomAD exomes 0.00009; ExAC 0.00015; ESP Exome Variant Server 0.00023; gnomAD 0.00025; TOPMed 0.00027; 1000 Genomes Project 0.00120; 1000 Genomes Project 30x 0.00141.
gnomAD v4.1: 170 of 1,613,538 alleles (0.011%); highest among the groups gnomAD compares: African/African-American, 0.1%; no homozygotes.

Submissions (4):

Labcorp Genetics (formerly Invitae), Labcorp
Classification: Likely benign for Cranioectodermal dysplasia 1. Last evaluated: 2025-12-03. Review status: criteria provided, single submitter. Criteria: Invitae Variant Classification Sherloc (09022015). Collection method: clinical testing. Allele origin: germline.

Fulgent Genetics
Classification: Uncertain significance for Cranioectodermal dysplasia 1. Last evaluated: 2024-03-27. Review status: criteria provided, single submitter. Criteria: ACMG Guidelines, 2015. Collection method: clinical testing. Allele origin: germline.

Blueprint Genetics
Classification: Uncertain significance. Last evaluated: 2023-11-23. Review status: criteria provided, single submitter. Criteria: ACMG Guidelines, 2015. Collection method: clinical testing. Allele origin: germline.

GeneDx
Classification: Uncertain significance. Last evaluated: 2023-06-20. Review status: criteria provided, single submitter. Criteria: GeneDx Variant Classification Process June 2021. Collection method: clinical testing. Allele origin: germline. Affected: yes.
Comment: In silico analysis supports that this missense variant has a deleterious effect on protein structure/function; Has not been previously published as pathogenic or benign to our knowledge

NM_052989.3(IFT122):c.3520C>T (p.Arg1174Cys)

Gene: IFT122 (intraflagellar transport 122; plus strand). Cytogenetic location: 3q22.1.
Variant type: single nucleotide variant.
Coding change: c.3520C>T on transcript NM_052989.3 (MANE Select); coding-DNA position 3520, C replaced by T.
Protein change: p.Arg1174Cys; replaces arginine 1174 with cysteine.
Molecular consequence: missense variant.
Genome position (GRCh38, 1-based): chr3:129,519,616, C>T. VCF-style: chr3-129519616-C-T. GRCh37 (hg19) VCF-style: chr3-129238459-C-T.
Other names: c.3499C>T, p.Arg1167Cys (NM_001280541.2); c.3070C>T, p.Arg1024Cys (NM_001280545.2); c.2893C>T, p.Arg965Cys (NM_001280546.2); c.3523C>T, p.Arg1175Cys (NM_001410808.1); c.3466C>T, p.Arg1156Cys (NM_001410809.1); c.3346C>T, p.Arg1116Cys (NM_001410810.1); c.3292C>T, p.Arg1098Cys (NM_001410811.1); c.3289C>T, p.Arg1097Cys (NM_001410813.1); and 6 more; short protein forms R1116C, R1175C, R1024C, R1046C, R1115C, R1167C, R1174C, R965C.
Identifiers: ClinVar variation 2039982 (VCV002039982.7), dbSNP rs181318594, ClinGen allele CA2606954.